The following is an entry in ClinVar:

NM_206933.4(USH2A):c.13441A>G (p.Arg4481Gly)

Gene: USH2A (usherin; minus strand). Cytogenetic location: 1q41.
Variant type: single nucleotide variant.
Coding change: c.13441A>G on transcript NM_206933.4 (MANE Select); coding-DNA position 13441, A replaced by G.
Protein change: p.Arg4481Gly; replaces arginine 4481 with glycine.
Molecular consequence: missense variant.
Genome position (GRCh38, 1-based): chr1:215,674,470, T>C on the plus strand (A>G on the coding strand, the complement: USH2A is on the minus strand). VCF-style: chr1-215674470-T-C. GRCh37 (hg19) VCF-style: chr1-215847812-T-C.
Other names: short protein forms R4481G.
Identifiers: ClinVar variation 236535 (VCV000236535.14), dbSNP rs878853406, ClinGen allele CA10581635.
Genomic context (GRCh38, chr1:215,674,470, plus strand): 5'-GGGTGAGAGTAAAATCACGATAGCGTGTTTCCAAGCCTGTATATACAATGGTTCCATCCC[T>C]CCTAAGTTCATAACTTCTGATCTGGCCATTTGGGTTTCTTGGAGGTTTCCAGGTGATTTC-3'
Protein context (NP_996816.3, residues 4471-4491): NGQIRSYELR[Arg4481Gly]DGTIVYTGLE

ClinVar aggregate classification (germline): Uncertain significance. Review status: criteria provided, multiple submitters, no conflicts (2 of 4 stars). 6 submissions from 5 submitters: Uncertain significance (3). 3 of the submissions do not count toward it. Last evaluated 2023-11-04.

Conditions:
Retinal dystrophy. Also called: Inherited retinal dystrophy. Identifiers: Orphanet 71862, MedGen C0854723, MeSH D058499, MONDO:0019118, HP:0000556.
Usher syndrome type 2A. Also called: RETINAL DISEASE IN USHER SYNDROME TYPE IIA, MODIFIER OF; USHER SYNDROME, TYPE IIA. Identifiers: Orphanet 231178, Orphanet 886, MedGen C1848634, MONDO:0010169, OMIM 276901.
Retinitis pigmentosa 39 (RP39). Identifiers: Orphanet 791, MedGen C3151138, MONDO:0013436, OMIM 613809.

Allele frequency attached by ClinVar (database versions not stated): gnomAD exomes below 0.00001; TOPMed below 0.00001; gnomAD 0.00001.
gnomAD v4.1: 7 of 1,614,056 alleles (0.00043%); highest among the groups gnomAD compares: Non-Finnish European, 0.00059%; no homozygotes.

Submissions (6):

Genome-Nilou Lab
Classification: Uncertain significance for Retinitis pigmentosa 39. Last evaluated: 2023-11-04. Review status: criteria provided, single submitter. Criteria: ACMG Guidelines, 2015. Collection method: clinical testing. Allele origin: germline. Affected: no.

Genome-Nilou Lab
Classification: Uncertain significance for Usher syndrome type 2A. Last evaluated: 2023-11-04. Review status: criteria provided, single submitter. Criteria: ACMG Guidelines, 2015. Collection method: clinical testing. Allele origin: germline. Affected: no.

Labcorp Genetics (formerly Invitae), Labcorp
Classification: Uncertain significance. Last evaluated: 2022-03-10. Review status: criteria provided, single submitter. Criteria: Invitae Variant Classification Sherloc (09022015). Collection method: clinical testing. Allele origin: germline.
Comment: This missense change has been observed in individuals with retinitis pigmentosa and/or Usher syndrome (PMID: 24944099; Invitae). This variant is not present in population databases (gnomAD no frequency). Algorithms developed to predict the effect of missense changes on protein structure and function (SIFT, PolyPhen-2, Align-GVGD) all suggest that this variant is likely to be disruptive. In summary, the available evidence is currently insufficient to determine the role of this variant in disease. Therefore, it has been classified as a Variant of Uncertain Significance. ClinVar contains an entry for this variant (Variation ID: 236535). This sequence change replaces arginine, which is basic and polar, with glycine, which is neutral and non-polar, at codon 4481 of the USH2A protein (p.Arg4481Gly).

Natera, Inc.
Classification: Uncertain significance for Usher syndrome type 2A. Last evaluated: 2021-04-28. Review status: no assertion criteria provided. Collection method: clinical testing. Allele origin: germline. Not counted in ClinVar's aggregate classification.

Counsyl
Classification: Uncertain significance for Usher syndrome type 2A; Retinitis pigmentosa 39. Last evaluated: 2017-08-29. Review status: no assertion criteria provided. Collection method: clinical testing. Allele origin: unknown. Not counted in ClinVar's aggregate classification.

Centre for Genomic Medicine, Manchester, Central Manchester University Hospitals
Classification: Uncertain significance for Retinal dystrophy. Review status: no assertion criteria provided. Collection method: clinical testing. Allele origin: germline. Affected: yes. Not counted in ClinVar's aggregate classification.

Literature cited by the submitters: PubMed 24944099 (cited by Labcorp Genetics (formerly Invitae), Labcorp); PubMed 27208204 (cited by Counsyl).